The following is an entry in ClinVar:

NM_000202.8(IDS):c.387_388insTATAAGAGACAGT (p.Thr130fs)

Gene: IDS (iduronate 2-sulfatase; minus strand). Cytogenetic location: Xq28.
Variant type: Insertion.
Coding change: c.387_388insTATAAGAGACAGT on transcript NM_000202.8 (MANE Select); coding-DNA positions 387 to 388, TATAAGAGACAGT inserted.
Protein change: p.Thr130fs; shifts the reading frame from threonine 130.
Molecular consequence: frameshift variant. On other transcripts: non-coding transcript variant (1).
Genome position: GRCh38 VCF-style: chrX-149503342-T-TACTGTCTCTTATA. GRCh37 (hg19) VCF-style: chrX-148584872-T-TACTGTCTCTTATA.
Other names: c.117_118insTATAAGAGACAGT, p.Thr40fs (NM_001166550.4); c.387_388insTATAAGAGACAGT, p.Thr130fs (NM_006123.5); short protein forms T130fs, T40fs.
Identifiers: ClinVar variation 5011728 (VCV005011728.1).

ClinVar aggregate classification (germline): Pathogenic (1 of 4 stars; one submission).

Conditions:
Mucopolysaccharidosis, MPS-II (MPS2). Also called: Attenuated MPS (subtype; formerly known as mild MPS II); Severe MPS II; I2S deficiency; MPS 2; Hunter Syndrome; IDURONATE 2-SULFATASE DEFICIENCY. Identifiers: Orphanet 580, Orphanet 79388, MedGen C0026705, MONDO:0010674, OMIM 309900.

Submission:

Myriad Genetics, Inc.
Classification: Pathogenic for Mucopolysaccharidosis, MPS-II. Last evaluated: 2023-09-22. Review status: criteria provided, single submitter. Criteria: Myriad Autosomal Dominant, Autosomal Recessive and X-Linked Classification Criteria (2023). Collection method: clinical testing. Allele origin: unknown.
Comment: NM_000202.5(IDS):c.387_388ins13(T130Yfs*19) is expected to be pathogenic in the context of mucopolysaccharidosis type II. This variant is predicted to lead to an abnormal or absent protein product due to the creation of a premature termination codon in IDS, a gene where loss-of-function variants are known to be pathogenic. Please note: this variant was assessed in the context of healthy population screening.